The following is an entry in ClinVar:

ClinVar aggregate classification (germline): Uncertain significance (1 of 4 stars; one submission).

Allele frequency attached by ClinVar (database versions not stated): TOPMed 0.00001.
gnomAD v4.1: 3 of 1,614,068 alleles (0.00019%); highest among the groups gnomAD compares: Middle Eastern, 0.017%; no homozygotes.

Submission:

Labcorp Genetics (formerly Invitae), Labcorp
Classification: Uncertain significance. Last evaluated: 2023-12-26. Review status: criteria provided, single submitter. Criteria: Invitae Variant Classification Sherloc (09022015). Collection method: clinical testing. Allele origin: germline.
Comment: This sequence change replaces alanine, which is neutral and non-polar, with glycine, which is neutral and non-polar, at codon 651 of the EMC1 protein (p.Ala651Gly). This variant is not present in population databases (gnomAD no frequency). This variant has not been reported in the literature in individuals affected with EMC1-related conditions. Advanced modeling of protein sequence and biophysical properties (such as structural, functional, and spatial information, amino acid conservation, physicochemical variation, residue mobility, and thermodynamic stability) performed at Invitae indicates that this missense variant is not expected to disrupt EMC1 protein function with a negative predictive value of 80%. In summary, the available evidence is currently insufficient to determine the role of this variant in disease. Therefore, it has been classified as a Variant of Uncertain Significance.

NM_015047.3(EMC1):c.1952C>G (p.Ala651Gly)

Genes: EMC1 (ER membrane protein complex subunit 1; minus strand), EMC1-AS1 (EMC1 antisense RNA 1; plus strand). Cytogenetic location: 1p36.13.
Variant type: single nucleotide variant.
Coding change: c.1952C>G on transcript NM_015047.3 (MANE Select); coding-DNA position 1952, C replaced by G.
Protein change: p.Ala651Gly; replaces alanine 651 with glycine.
Molecular consequence: missense variant.
Genome position (GRCh38, 1-based): chr1:19,230,956, G>C on the plus strand (C>G on the coding strand, the complement: EMC1 is on the minus strand). VCF-style: chr1-19230956-G-C. GRCh37 (hg19) VCF-style: chr1-19557450-G-C.
Other names: c.1949C>G, p.Ala650Gly (NM_001271427.2, NM_001271428.2); c.1886C>G, p.Ala629Gly (NM_001271429.2); c.1961C>G, p.Ala654Gly (NM_001375820.1); c.1958C>G, p.Ala653Gly (NM_001375821.1); short protein forms A654G, A650G, A629G, A651G, A653G.
Identifiers: ClinVar variation 2762859 (VCV002762859.3), dbSNP rs756490055, ClinGen allele CA18814863.